The following is an entry in ClinVar:

NM_000388.4(CASR):c.-111C>A

Gene: CASR (calcium sensing receptor; plus strand). Cytogenetic location: 3q21.1.
Variant type: single nucleotide variant.
Coding change: c.-111C>A on transcript NM_000388.4 (MANE Select); 111 bases upstream of the start codon, C replaced by A.
Molecular consequence: 5 prime UTR variant.
Genome position (GRCh38, 1-based): chr3:122,254,079, C>A. VCF-style: chr3-122254079-C-A. GRCh37 (hg19) VCF-style: chr3-121972926-C-A.
Other names: c.-111C>A (NM_001178065.2).
Identifiers: ClinVar variation 342794 (VCV000342794.5), dbSNP rs201098532, ClinGen allele CA10616927.

ClinVar aggregate classification (germline): Conflicting classifications of pathogenicity. Review status: criteria provided, conflicting classifications (1 of 4 stars). 4 submissions from 1 submitter: Uncertain significance (3); Benign (1). Last evaluated 2018-01-12.

Conditions:
Neonatal severe primary hyperparathyroidism. Identifiers: Orphanet 417, MedGen C1832615, MONDO:0009397, OMIM 239200.
Familial hypoparathyroidism. Also called: Familial isolated hypoparathyroidism. Identifiers: Orphanet 2238, MedGen C1832648, MONDO:0016390.
Autosomal dominant hypocalcemia 1 (HYPOC1). Also called: HYPOCALCEMIA, FAMILIAL. Identifiers: MedGen C3715128, MONDO:0011013, OMIM 601198.
Familial hypocalciuric hypercalcemia 1. Also called: Hypercalcemia, familial benign type 1. Identifiers: Orphanet 405, Orphanet 93372, MedGen C0342637, MONDO:0007791, OMIM 145980.

Allele frequency attached by ClinVar (database versions not stated): gnomAD 0.00006 and 0.00010; TOPMed 0.00008; gnomAD exomes 0.00022; 1000 Genomes Project 0.00040; 1000 Genomes Project 30x 0.00047.
gnomAD v4.1: 172 of 912,410 alleles (0.019%); highest among the groups gnomAD compares: East Asian, 0.41%; 1 homozygote.

Submissions (4):

Illumina Laboratory Services, Illumina
Classification: Uncertain significance for Familial hypocalciuric hypercalcemia 1. Last evaluated: 2018-01-12. Review status: criteria provided, single submitter. Criteria: ICSL Variant Classification Criteria 13 December 2019. Collection method: clinical testing. Allele origin: germline.

Illumina Laboratory Services, Illumina
Classification: Uncertain significance for Autosomal dominant hypocalcemia 1. Last evaluated: 2018-01-12. Review status: criteria provided, single submitter. Criteria: ICSL Variant Classification Criteria 13 December 2019. Collection method: clinical testing. Allele origin: germline.

Illumina Laboratory Services, Illumina
Classification: Benign for Familial isolated hypoparathyroidism. Last evaluated: 2018-01-12. Review status: criteria provided, single submitter. Criteria: ICSL Variant Classification Criteria 13 December 2019. Collection method: clinical testing. Allele origin: germline.
Comment: This variant was observed in the ICSL laboratory as part of a predisposition screen in an ostensibly healthy population. It had not been previously curated by ICSL or reported in the Human Gene Mutation Database (HGMD: prior to June 1st, 2018), and was therefore a candidate for classification through an automated scoring system. Utilizing variant allele frequency, disease prevalence and penetrance estimates, and inheritance mode, an automated score was calculated to assess if this variant is too frequent to cause the disease. Based on the score and internal cut-off values, a variant classified as benign is not then subjected to further curation. The score for this variant resulted in a classification of benign for this disease.

Illumina Laboratory Services, Illumina
Classification: Uncertain significance for Neonatal severe primary hyperparathyroidism. Last evaluated: 2018-01-12. Review status: criteria provided, single submitter. Criteria: ICSL Variant Classification Criteria 13 December 2019. Collection method: clinical testing. Allele origin: germline.